The following is an entry in ClinVar:

NM_001367624.2(ZNF469):c.579_593del (p.Thr194_Ser198del)

Gene: ZNF469 (zinc finger protein 469; plus strand). Cytogenetic location: 16q24.2.
Variant type: Deletion.
Coding change: c.579_593del on transcript NM_001367624.2 (MANE Select); coding-DNA positions 579 to 593, 15 bases deleted (CACCAACTATACCTC).
Protein change: p.Thr194_Ser198del.
Molecular consequence: inframe deletion.
Genome position (GRCh38, 1-based): chr16:88,428,049-88,428,063, CACCAACTATACCTC deleted; deleting any 15 consecutive bases within chr16:88,428,043-88,428,063 gives the same sequence; the c. name uses the placement nearest the transcript's 3' end. VCF-style (leftmost placement, unchanged base first): chr16-88428042-TTACCTCCACCAACTA-T. GRCh37 (hg19) VCF-style: chr16-88494450-TTACCTCCACCAACTA-T.
Other names: NM_001127464.1:c.579_593del15.
Identifiers: ClinVar variation 1417084 (VCV001417084.6), dbSNP rs1408814056, ClinGen allele CA624447576.
Genomic context (GRCh38, chr16:88,428,042, plus strand): 5'-CCCAACCCGCCGCCGAAGAGCTTGGCTTCCACAGGTGCTTCCAGGAGCCACCCTCCAGCT[TTACCTCCACCAACTA>T]TACCTCACCAAGCGCCACCCCCAGGCCCCCAGCCCCGGGGCCCCCCCAGAGCAGGGGCAC-3'

ClinVar aggregate classification (germline): Uncertain significance. Review status: criteria provided, multiple submitters, no conflicts (2 of 4 stars). 2 submissions from 2 submitters: Uncertain significance (2). Last evaluated 2025-12-01.

Conditions:
Cardiovascular phenotype. Identifiers: MedGen CN230736.

Submissions (2):

Labcorp Genetics (formerly Invitae), Labcorp
Classification: Uncertain significance. Last evaluated: 2025-12-01. Review status: criteria provided, single submitter. Criteria: Invitae Variant Classification Sherloc (09022015). Collection method: clinical testing. Allele origin: germline.
Comment: This variant, c.579_593del, results in the deletion of 5 amino acid(s) of the ZNF469 protein (p.Thr194_Ser198del), but otherwise preserves the integrity of the reading frame. This variant is present in population databases (no rsID available, gnomAD 0.004%). This variant has not been reported in the literature in individuals affected with ZNF469-related conditions. ClinVar contains an entry for this variant (Variation ID: 1417084). Experimental studies and prediction algorithms are not available or were not evaluated, and the functional significance of this variant is currently unknown. In summary, the available evidence is currently insufficient to determine the role of this variant in disease. Therefore, it has been classified as a Variant of Uncertain Significance.

Ambry Genetics
Classification: Uncertain significance for Cardiovascular phenotype. Last evaluated: 2024-10-02. Review status: criteria provided, single submitter. Criteria: Ambry Variant Classification Scheme 2023. Collection method: clinical testing. Allele origin: germline.
Comment: The c.579_593del15 variant (also known as p.T194_S198del) is located in coding exon 1 of the ZNF469 gene. This variant results from an in-frame CACCAACTATACCTC deletion at nucleotide positions 579 to 593. This results in the in-frame deletion of 5 amino acids at codon 194. This amino acid region ranges from not well conserved to highly conserved in available vertebrate species. In addition, this alteration is predicted to be deleterious by in silico analysis (Choi Y et al. PLoS ONE. 2012; 7(10):e46688). Based on the available evidence, the clinical significance of this variant remains unclear.